The following is an entry in ClinVar:

NM_001972.4(ELANE):c.279G>T (p.Glu93Asp)

Gene: ELANE (elastase, neutrophil expressed; plus strand). Cytogenetic location: 19p13.3.
Variant type: single nucleotide variant.
Coding change: c.279G>T on transcript NM_001972.4 (MANE Select); coding-DNA position 279, G replaced by T.
Protein change: p.Glu93Asp; replaces glutamic acid 93 with aspartic acid.
Molecular consequence: missense variant.
Genome position (GRCh38, 1-based): chr19:853,316, G>T. VCF-style: chr19-853316-G-T. GRCh37 (hg19) VCF-style: chr19-853316-G-T.
Other names: short protein forms E93D.
Identifiers: ClinVar variation 3844278 (VCV003844278.1).

ClinVar aggregate classification (germline): Uncertain significance (1 of 4 stars; one submission).

Conditions:
Inborn genetic diseases. Identifiers: MedGen C0950123, MeSH D030342.

gnomAD v4.1: 10 of 1,610,674 alleles (0.00062%); highest among the groups gnomAD compares: Non-Finnish European, 0.00085%; no homozygotes.

Submission:

Ambry Genetics
Classification: Uncertain significance for Inborn genetic diseases. Last evaluated: 2024-12-22. Review status: criteria provided, single submitter. Criteria: Ambry Variant Classification Scheme 2023. Collection method: clinical testing. Allele origin: germline.
Comment: The p.E93D variant (also known as c.279G>T), located in coding exon 3 of the ELANE gene, results from a G to T substitution at nucleotide position 279. The glutamic acid at codon 93 is replaced by aspartic acid, an amino acid with highly similar properties. This amino acid position is conserved. In addition, the in silico prediction for this alteration is inconclusive. Based on the available evidence, the clinical significance of this variant remains unclear.